The following is an entry in ClinVar:

ClinVar aggregate classification (germline): Likely benign (0 of 4 stars; one submission).

Conditions:
SF3B4-related disorder. Also called: SF3B4-related condition.

Submission:

PreventionGenetics, part of Exact Sciences
Classification: Likely benign for SF3B4-related condition. Last evaluated: 2022-05-18. Review status: no assertion criteria provided. Collection method: clinical testing. Allele origin: germline.
Comment: This variant is classified as likely benign based on ACMG/AMP sequence variant interpretation guidelines (Richards et al. 2015 PMID: 25741868, with internal and published modifications).

NM_005850.5(SF3B4):c.381A>G (p.Leu127=)

Gene: SF3B4 (splicing factor 3b subunit 4; minus strand). Cytogenetic location: 1q21.2.
Variant type: single nucleotide variant.
Coding change: c.381A>G on transcript NM_005850.5 (MANE Select); coding-DNA position 381, A replaced by G.
Protein change: p.Leu127=; no amino-acid change (leucine 127 retained).
Molecular consequence: synonymous variant.
Genome position (GRCh38, 1-based): chr1:149,926,701, T>C on the plus strand (A>G on the coding strand, the complement: SF3B4 is on the minus strand). VCF-style: chr1-149926701-T-C. GRCh37 (hg19) VCF-style: chr1-149898593-T-C.
Identifiers: ClinVar variation 3047059 (VCV003047059.2), dbSNP rs2525123353, ClinGen allele CA420892375.